The following is an entry in ClinVar:

NM_000238.4(KCNH2):c.3041G>T (p.Arg1014Leu)

Gene: KCNH2 (potassium voltage-gated channel subfamily H member 2; minus strand). Cytogenetic location: 7q36.1.
Variant type: single nucleotide variant.
Coding change: c.3041G>T on transcript NM_000238.4 (MANE Select); coding-DNA position 3041, G replaced by T.
Protein change: p.Arg1014Leu; replaces arginine 1014 with leucine.
Molecular consequence: missense variant. On other transcripts: non-coding transcript variant (2).
Genome position (GRCh38, 1-based): chr7:150,947,439, C>A on the plus strand (G>T on the coding strand, the complement: KCNH2 is on the minus strand). VCF-style: chr7-150947439-C-A. GRCh37 (hg19) VCF-style: chr7-150644527-C-A.
Other names: c.2753G>T, p.Arg918Leu (NM_001406753.1); c.2021G>T, p.Arg674Leu (NM_172057.3); short protein forms R1014L, R674L, R918L.
Identifiers: ClinVar variation 4756478 (VCV004756478.1).

ClinVar aggregate classification (germline): Uncertain significance (1 of 4 stars; one submission).

Conditions:
Cardiac arrhythmia. Also called: Arrhythmia; Cardiac rhythm disease. Identifiers: MedGen C0003811, MONDO:0007263, HP:0011675.

gnomAD v4.1: 1 of 1,561,118 alleles (0.000064%); highest among the groups gnomAD compares: Non-Finnish European, 0.000087%; no homozygotes.

Submission:

Color Diagnostics, LLC DBA Color Health
Classification: Uncertain significance for Cardiac arrhythmia. Last evaluated: 2025-09-13. Review status: criteria provided, single submitter. Criteria: ACMG Guidelines, 2015. Collection method: clinical testing. Allele origin: germline.
Comment: This missense variant replaces arginine with leucine at codon 1014 of the KCNH2 protein. Computational prediction suggests that this variant may have deleterious impact on protein structure and function. To our knowledge, functional studies have not been reported for this variant. This variant has been reported in an individual affected with epilepsy (PMID: 31696929). This variant has not been identified in the general population by the Genome Aggregation Database (gnomAD). The available evidence is insufficient to determine the role of this variant in disease conclusively. Therefore, this variant is classified as a Variant of Uncertain Significance.

Literature cited by the submitters: PubMed 31696929.